The following continues an entry in ClinVar:

NM_000059.4(BRCA2):c.1365A>G (p.Ser455=)

Gene: BRCA2. ClinVar aggregate classification (germline): Benign. Benign (1).

Submissions 23 to 34 of 34:

Breakthrough Genomics
Classification: Benign. Review status: criteria provided, single submitter. Criteria: ACMG Guidelines, 2015. Collection method: not provided. Allele origin: germline. Inheritance: Autosomal recessive inheritance. Affected: yes. Not counted in ClinVar's aggregate classification.

GreenArray Genomic Research & Solutions of Accurate Diagnostic Private Limited
Classification: Benign for Breast-ovarian cancer, familial, susceptibility to, 2. Review status: criteria provided, single submitter. Criteria: ACMG Guidelines, 2015. Collection method: clinical testing. Allele origin: germline. Affected: no. Not counted in ClinVar's aggregate classification.

PreventionGenetics, part of Exact Sciences
Classification: Benign. Review status: criteria provided, single submitter. Criteria: ACMG Guidelines, 2015. Collection method: clinical testing. Allele origin: germline. Not counted in ClinVar's aggregate classification.

Mayo Clinic Laboratories, Mayo Clinic
Classification: Benign. Last evaluated: 2017-03-06. Review status: no assertion criteria provided. Collection method: clinical testing. Allele origin: unknown. Not counted in ClinVar's aggregate classification.

Counsyl
Classification: Benign for Breast-ovarian cancer, familial 2. Last evaluated: 2014-01-02. Review status: no assertion criteria provided. Collection method: literature only. Allele origin: unknown. Inheritance: Autosomal dominant inheritance. Not counted in ClinVar's aggregate classification.
Comment: High frequency in a 1kG or ESP population: 3.7 %. This submission and the accompanying classification are no longer maintained by the submitter.

Sharing Clinical Reports Project (SCRP)
Classification: Benign for Breast-ovarian cancer, familial 2. Last evaluated: 2011-03-15. Review status: no assertion criteria provided. Collection method: clinical testing. Allele origin: germline. Not counted in ClinVar's aggregate classification.

Breast Cancer Information Core (BIC) (BRCA2)
Classification: Benign for Breast-ovarian cancer, familial 2. Last evaluated: 2002-05-29. Review status: no assertion criteria provided. Collection method: clinical testing. Allele origin: germline. Affected: yes. Observed: 42 variant alleles. Not counted in ClinVar's aggregate classification.

Clinical Genetics Laboratory, Department of Pathology, Netherlands Cancer Institute
Classification: Benign. Review status: no assertion criteria provided. Collection method: clinical testing. Allele origin: germline. Affected: yes. Study: VKGL Data-share Consensus. Not counted in ClinVar's aggregate classification.

Department of Pathology and Laboratory Medicine, Sinai Health System
Classification: Benign. Review status: no assertion criteria provided. Collection method: clinical testing. Allele origin: unknown. Affected: yes. Observed: 1 variant allele. Study: The Canadian Open Genetics Repository (COGR). Not counted in ClinVar's aggregate classification.

Diagnostic Laboratory, Department of Genetics, University Medical Center Groningen
Classification: Benign for Breast-ovarian cancer, familial, susceptibility to, 2. Review status: no assertion criteria provided. Collection method: clinical testing. Allele origin: germline. Affected: yes. Study: VKGL Data-share Consensus. Not counted in ClinVar's aggregate classification.

Joint Genome Diagnostic Labs from Nijmegen and Maastricht, Radboudumc and MUMC+
Classification: Benign. Review status: no assertion criteria provided. Collection method: clinical testing. Allele origin: germline. Affected: yes. Study: VKGL Data-share Consensus. Not counted in ClinVar's aggregate classification.

Laboratory of Diagnostic Genome Analysis, Leiden University Medical Center (LUMC)
Classification: Benign. Review status: no assertion criteria provided. Collection method: clinical testing. Allele origin: germline. Affected: yes. Study: VKGL Data-share Consensus. Not counted in ClinVar's aggregate classification.

Literature cited by the submitters: DOI 10.3389/fgene.2022.834265 (cited by National Health Laboratory Service, Universitas Academic Hospital and University of the Free State); PubMed 36329109 (cited by Genetics Program, Instituto Nacional de Cancer); PubMed 9971877 (cited by Women's Health and Genetics/Laboratory Corporation of America, LabCorp); PubMed 21232165 (cited by Women's Health and Genetics/Laboratory Corporation of America, LabCorp); Couch et al., 1996 (cited by Breast Cancer Information Core (BIC) (BRCA2)).